The following is an entry in ClinVar:

NM_144736.5(NDUFAF7):c.23G>A (p.Gly8Asp)

Genes: NDUFAF7 (NADH:ubiquinone oxidoreductase complex assembly factor 7; plus strand), LOC126806192 (CDK7 strongly-dependent group 2 enhancer GRCh37_chr2:37458084-37459283; plus strand). Cytogenetic location: 2p22.2.
Variant type: single nucleotide variant.
Coding change: c.23G>A on transcript NM_144736.5 (MANE Select); coding-DNA position 23, G replaced by A.
Protein change: p.Gly8Asp; replaces glycine 8 with aspartic acid.
Molecular consequence: missense variant. On other transcripts: non-coding transcript variant (10).
Genome position (GRCh38, 1-based): chr2:37,231,728, G>A. VCF-style: chr2-37231728-G-A. GRCh37 (hg19) VCF-style: chr2-37458871-G-A.
Other names: c.23G>A, p.Gly8Asp (NM_001083946.2, NM_001350024.2, NM_001350025.2 and 1 more transcripts); short protein forms G8D.
Identifiers: ClinVar variation 214761 (VCV000214761.10), dbSNP rs73927405, ClinGen allele CA324084.

ClinVar aggregate classification (germline): Conflicting classifications of pathogenicity. Review status: criteria provided, conflicting classifications (1 of 4 stars). 4 submissions from 4 submitters: Uncertain significance (1); Benign (1); Likely benign (2). Last evaluated 2025-11-11.

Conditions:
NDUFAF7-related condition.

Allele frequency attached by ClinVar (database versions not stated): ExAC 0.00049; 1000 Genomes Project 30x 0.00078; 1000 Genomes Project 0.00080; gnomAD 0.00160 and 0.00178; TOPMed 0.00193; ESP Exome Variant Server 0.00223.
gnomAD v4.1: 466 of 1,614,216 alleles (0.029%); highest among the groups gnomAD compares: African/African-American, 0.56%; 2 homozygotes.

Submissions (4):

Labcorp Genetics (formerly Invitae), Labcorp
Classification: Benign. Last evaluated: 2025-11-11. Review status: criteria provided, single submitter. Criteria: Invitae Variant Classification Sherloc (09022015). Collection method: clinical testing. Allele origin: germline.

PreventionGenetics, part of Exact Sciences
Classification: Likely benign for NDUFAF7-related condition. Last evaluated: 2025-08-22. Review status: criteria provided, single submitter. Criteria: ACMG Guidelines, 2015. Collection method: clinical testing. Allele origin: germline.
Comment: This variant is classified as likely benign based on ACMG/AMP sequence variant interpretation guidelines (Richards et al. 2015 PMID: 25741868, with internal and published modifications).

Ambry Genetics
Classification: Uncertain significance. Last evaluated: 2025-08-21. Review status: criteria provided, single submitter. Criteria: Ambry Variant Classification Scheme 2023. Collection method: clinical testing. Allele origin: germline.

GeneDx
Classification: Likely benign. Last evaluated: 2020-09-30. Review status: criteria provided, single submitter. Criteria: GeneDx Variant Classification Process June 2021. Collection method: clinical testing. Allele origin: germline. Affected: yes.